The following is an entry in ClinVar:

NM_001291303.3(FAT4):c.5824C>A (p.Pro1942Thr)

Gene: FAT4 (FAT atypical cadherin 4; plus strand). Cytogenetic location: 4q28.1.
Variant type: single nucleotide variant.
Coding change: c.5824C>A on transcript NM_001291303.3 (MANE Select); coding-DNA position 5824, C replaced by A.
Protein change: p.Pro1942Thr; replaces proline 1942 with threonine.
Molecular consequence: missense variant.
Genome position (GRCh38, 1-based): chr4:125,408,698, C>A. VCF-style: chr4-125408698-C-A. GRCh37 (hg19) VCF-style: chr4-126329853-C-A.
Other names: c.5824C>A, p.Pro1942Thr (NM_001291285.3, NM_024582.6); short protein forms P1942T.
Identifiers: ClinVar variation 2094697 (VCV002094697.4), dbSNP rs2530756549, ClinGen allele CA358123654.

ClinVar aggregate classification (germline): Uncertain significance (1 of 4 stars; one submission).

gnomAD v4.1: 2 of 1,610,930 alleles (0.00012%); highest among the groups gnomAD compares: Non-Finnish European, 0.00017%; no homozygotes.

Submission:

Labcorp Genetics (formerly Invitae), Labcorp
Classification: Uncertain significance. Last evaluated: 2022-02-08. Review status: criteria provided, single submitter. Criteria: Invitae Variant Classification Sherloc (09022015). Collection method: clinical testing. Allele origin: germline.
Comment: This sequence change replaces proline, which is neutral and non-polar, with threonine, which is neutral and polar, at codon 1942 of the FAT4 protein (p.Pro1942Thr). This variant is not present in population databases (gnomAD no frequency). This variant has not been reported in the literature in individuals affected with FAT4-related conditions. Advanced modeling of protein sequence and biophysical properties (such as structural, functional, and spatial information, amino acid conservation, physicochemical variation, residue mobility, and thermodynamic stability) performed at Invitae indicates that this missense variant is expected to disrupt FAT4 protein function. In summary, the available evidence is currently insufficient to determine the role of this variant in disease. Therefore, it has been classified as a Variant of Uncertain Significance.